The following is an entry in ClinVar:

NM_004523.4(KIF11):c.2194A>T (p.Arg732Ter)

Gene: KIF11 (kinesin family member 11; plus strand). Cytogenetic location: 10q23.33.
Variant type: single nucleotide variant.
Coding change: c.2194A>T on transcript NM_004523.4 (MANE Select); coding-DNA position 2194, A replaced by T.
Protein change: p.Arg732Ter; replaces arginine 732 with a stop codon.
Molecular consequence: nonsense.
Genome position (GRCh38, 1-based): chr10:92,639,827, A>T. VCF-style: chr10-92639827-A-T. GRCh37 (hg19) VCF-style: chr10-94399584-A-T.
Other names: short protein forms R732*.
Identifiers: ClinVar variation 422119 (VCV000422119.1), dbSNP rs1064795570, ClinGen allele CA16619081.

ClinVar aggregate classification (germline): Likely pathogenic (1 of 4 stars; one submission).

Submission:

GeneDx
Classification: Likely pathogenic. Last evaluated: 2016-09-12. Review status: criteria provided, single submitter. Criteria: GeneDx Variant Classification (06012015). Collection method: clinical testing. Allele origin: germline. Affected: yes.
Comment: The R732X variant in the KIF11 gene has not been reported previously as a pathogenic variant nor as a benign variant, to our knowledge. This variant is predicted to cause loss of normal protein function either through protein truncation or nonsense-mediated mRNA decay. The R732X variant was not observed in approximately 6500 individuals of European and African American ancestry in the NHLBI Exome Sequencing Project, indicating it is not a common benign variant in these populations.